The following is an entry in ClinVar:

ClinVar aggregate classification (germline): Likely benign. Review status: criteria provided, multiple submitters, no conflicts (2 of 4 stars). 4 submissions from 4 submitters: Likely benign (4). Last evaluated 2026-01-28.

Conditions:
5-Oxoprolinase deficiency (OPLAHD). Also called: 5-OXOPROLINURIA DUE TO 5-OXOPROLINASE DEFICIENCY. Identifiers: Orphanet 33572, MedGen C0268525, MONDO:0009825, OMIM 260005, HP:0040142.
OPLAH-related disorder. Also called: OPLAH-related condition.

Allele frequency attached by ClinVar (database versions not stated): 1000 Genomes Project 0.00220; 1000 Genomes Project 30x 0.00265; gnomAD 0.00370; TOPMed 0.00431; gnomAD exomes 0.00457 and 0.00683; ExAC 0.00522; ESP Exome Variant Server 0.00524.
gnomAD v4.1: 10,570 of 1,612,536 alleles (0.66%); highest among the groups gnomAD compares: Middle Eastern, 0.94%; 45 homozygotes.

Submissions (4):

Labcorp Genetics (formerly Invitae), Labcorp
Classification: Likely benign for 5-Oxoprolinase deficiency. Last evaluated: 2026-01-28. Review status: criteria provided, single submitter. Criteria: Invitae Variant Classification Sherloc (09022015). Collection method: clinical testing. Allele origin: germline.

CeGaT Center for Human Genetics Tuebingen
Classification: Likely benign. Last evaluated: 2025-10-01. Review status: criteria provided, single submitter. Criteria: CeGaT Center For Human Genetics Tuebingen Variant Classification Criteria Version 2. Collection method: clinical testing. Allele origin: germline. Affected: yes. Observed: 2 variant alleles.
Comment: OPLAH: BP4, BS2

PreventionGenetics, part of Exact Sciences
Classification: Likely benign for OPLAH-related condition. Last evaluated: 2025-02-07. Review status: criteria provided, single submitter. Criteria: ACMG Guidelines, 2015. Collection method: clinical testing. Allele origin: germline.
Comment: This variant is classified as likely benign based on ACMG/AMP sequence variant interpretation guidelines (Richards et al. 2015 PMID: 25741868, with internal and published modifications).

Breakthrough Genomics
Classification: Likely benign. Review status: criteria provided, single submitter. Criteria: ACMG Guidelines, 2015. Collection method: not provided. Allele origin: germline. Inheritance: Autosomal recessive inheritance. Affected: yes.

NM_017570.5(OPLAH):c.171+6C>A

Gene: OPLAH (5-oxoprolinase, ATP-hydrolysing; minus strand). Cytogenetic location: 8q24.3.
Variant type: single nucleotide variant.
Coding change: c.171+6C>A on transcript NM_017570.5 (MANE Select); 6 bases into the intron after coding-DNA position 171, C replaced by A.
Molecular consequence: intron variant.
Genome position (GRCh38, 1-based): chr8:144,059,856, G>T on the plus strand (C>A on the coding strand, the complement: OPLAH is on the minus strand). VCF-style: chr8-144059856-G-T. GRCh37 (hg19) VCF-style: chr8-145114759-G-T.
Identifiers: ClinVar variation 774252 (VCV000774252.28), dbSNP rs117389174, ClinGen allele CA4932388.